The following is an entry in ClinVar:

ClinVar aggregate classification (germline): Conflicting classifications of pathogenicity. Review status: criteria provided, conflicting classifications (1 of 4 stars). 8 submissions from 8 submitters: Likely pathogenic (1); Uncertain significance (3); Benign (1); Likely benign (1). 2 of the submissions do not count toward it. Last evaluated 2026-03-17.

Conditions:
Cardiovascular phenotype. Identifiers: MedGen CN230736.
Long QT syndrome 6 (LQT6). Identifiers: Orphanet 101016, Orphanet 768, MedGen C3150953, MONDO:0013370, OMIM 613693.
Atrial fibrillation, familial, 4 (ATFB4). Identifiers: MedGen C1862394, MONDO:0012677, OMIM 611493.
Atrial fibrillation. Identifiers: MedGen C0004238, MONDO:0004981, HP:0005110.

Allele frequency attached by ClinVar (database versions not stated): gnomAD 0.00006; ExAC 0.00007; TOPMed 0.00013.

Submissions (8):

GeneDx
Classification: Uncertain significance. Last evaluated: 2026-03-17. Review status: criteria provided, single submitter. Criteria: GeneDx Variant Classification Process June 2021. Collection method: clinical testing. Allele origin: germline.
Comment: Identified in an individual with left ventricular non-compaction (LVNC) who also harbored a pathogenic variant in the TNNT2 gene (PMID: 31918855); In silico analysis supports that this missense variant has a deleterious effect on protein structure/function; This variant is associated with the following publications: (PMID: 28794082, 15368194, 16487223, 28518168, 31521807, 22947121, 24681347, 31918855)

Labcorp Genetics (formerly Invitae), Labcorp
Classification: Likely benign for Long QT syndrome 6. Last evaluated: 2025-09-14. Review status: criteria provided, single submitter. Criteria: Invitae Variant Classification Sherloc (09022015). Collection method: clinical testing. Allele origin: germline.

Blueprint Genetics
Classification: Uncertain significance. Last evaluated: 2024-10-29. Review status: criteria provided, single submitter. Criteria: ACMG Guidelines, 2015. Collection method: clinical testing. Allele origin: germline.

Ambry Genetics
Classification: Benign for Cardiovascular phenotype. Last evaluated: 2024-01-08. Review status: criteria provided, single submitter. Criteria: Ambry Variant Classification Scheme 2023. Collection method: clinical testing. Allele origin: germline.

ARUP Laboratories, Molecular Genetics and Genomics, ARUP Laboratories
Classification: Uncertain significance. Last evaluated: 2018-04-11. Review status: criteria provided, single submitter. Criteria: ARUP Molecular Germline Variant Investigation Process. Collection method: clinical testing. Allele origin: germline.
Comment: The KCNE2 c.79C>T; p.Arg27Cys variant (rs74315449, ClinVar variant ID 6055) was detected in two Chinese patients with atrial fibrillation (Yang 2004) and was also one of two KCNE2 variants present in a child with long QT syndrome (Sauer 2016). Relatives of the Chinese patients who also carried the variant had mild cardiac symptoms, making it unclear whether or not the variant segregated with disease in these families (Yang 2004). Functional studies of this variant in cell lines were consistent with it being a gain-of-function variant; other gain-of-function variants in KCNE2 are associated with atrial fibrillation and short QT syndrome, while loss-of-function variants are more often associated with long QT syndrome (Yang 2004, Liu 2014). This variant is listed in the genome Aggregation Database (gnomAD) with an overall population frequency of 0.01% (identified on 37 out of 277,220 chromosomes). The arginine at position 27 is highly conserved, considering 11 species, and computational analyses of the effects of the p.Arg27Cys variant on protein structure and function predict a deleterious effect (SIFT: damaging, PolyPhen-2: probably damaging). Based on the available information, the clinical significance of the p.Arg27Cys variant cannot be determined with certainty.

Soonchunhyang University Bucheon Hospital, Soonchunhyang University Medical Center
Classification: Likely pathogenic for Atrial fibrillation, familial, 4; Long QT syndrome 6. Last evaluated: 2016-03-18. Review status: criteria provided, single submitter. Criteria: ACMG Guidelines, 2015. Collection method: reference population. Allele origin: germline. Observed: 1 variant allele.

OMIM
Classification: Pathogenic for ATRIAL FIBRILLATION, FAMILIAL, 4. Last evaluated: 2004-11-01. Review status: no assertion criteria provided. Collection method: literature only. Allele origin: germline. Not counted in ClinVar's aggregate classification.

Cardiovascular Biomedical Research Unit, Royal Brompton & Harefield NHS Foundation Trust
No classification provided. Condition: Atrial fibrillation. Review status: no classification provided. Collection method: literature only. Allele origin: germline. Not counted in ClinVar's aggregate classification.
Comment: This variant has been reported as associated with Atrial fibrillation in the following publications (PMID:15368194;PMID:16487223). This is a literature report, and does not necessarily reflect the clinical interpretation of the Imperial College / Royal Brompton Cardiovascular Genetics laboratory.

Literature cited by the submitters: PubMed 15368194 (cited by 4 submitters); PubMed 16487223 (cited by Ambry Genetics and Cardiovascular Biomedical Research Unit, Royal Brompton & Harefield NHS Foundation Trust); PubMed 17310097 (cited by Ambry Genetics); PubMed 24681347 (cited by Ambry Genetics and OMIM); PubMed 31521807 (cited by Ambry Genetics); PubMed 22581653 (cited by Cardiovascular Biomedical Research Unit, Royal Brompton & Harefield NHS Foundation Trust).

NM_172201.2(KCNE2):c.79C>T (p.Arg27Cys)

Genes: KCNE2 (potassium voltage-gated channel subfamily E regulatory subunit 2; plus strand), LOC105372791 (uncharacterized LOC105372791; minus strand). Cytogenetic location: 21q22.11.
Variant type: single nucleotide variant.
Coding change: c.79C>T on transcript NM_172201.2 (MANE Select); coding-DNA position 79, C replaced by T.
Protein change: p.Arg27Cys; replaces arginine 27 with cysteine.
Molecular consequence: missense variant.
Genome position (GRCh38, 1-based): chr21:34,370,557, C>T. VCF-style: chr21-34370557-C-T. GRCh37 (hg19) VCF-style: chr21-35742856-C-T.
Other names: c.79C>T (LRG_291t1); short protein forms R27C.
Identifiers: ClinVar variation 6055 (VCV000006055.24), dbSNP rs74315449, ClinGen allele CA117924.